The following is an entry in ClinVar:

NM_000179.3(MSH6):c.741del (p.Lys247fs)

Gene: MSH6 (mutS homolog 6; plus strand). Cytogenetic location: 2p16.3.
Variant type: Deletion.
Coding change: c.741del on transcript NM_000179.3 (MANE Select); coding-DNA position 741, one base deleted (A; older notation c.741delA).
Protein change: p.Lys247fs; shifts the reading frame from lysine 247.
Molecular consequence: frameshift variant. On other transcripts: 5 prime UTR variant (2).
Genome position (GRCh38, 1-based): chr2:47,798,724, A deleted; the last of 7 consecutive A bases (chr2:47,798,718-47,798,724); deleting any one gives the same sequence. VCF-style (leftmost placement, unchanged base first): chr2-47798717-TA-T. GRCh37 (hg19) VCF-style: chr2-48025856-TA-T.
Other names: c.351del, p.Lys117fs (NM_001281492.2); c.-166del (NM_001281493.2, NM_001281494.2); c.741delA (NM_000179.2); short protein forms K117fs, K247fs.
Identifiers: ClinVar variation 237213 (VCV000237213.20), dbSNP rs267608041, ClinGen allele CA10582041.
Genomic context (GRCh38, chr2:47,798,717, plus strand): 5'-TTGAGAGTGAAGAGGAAGTACAGCCTAAGACACAAGGATCTAGGCGAAGTAGCCGCCAAA[TA>T]AAAAAACGAAGGGTCATATCAGATTCTGAGAGTGACATTGGTGGCTCTGATGTGGAATTT-3'

ClinVar aggregate classification (germline): Pathogenic. Review status: criteria provided, multiple submitters, no conflicts (2 of 4 stars). 9 submissions from 8 submitters: Pathogenic (8). 1 of the submissions does not count toward it. Last evaluated 2025-08-21.

Conditions:
Hereditary cancer-predisposing syndrome. Also called: Hereditary neoplastic syndrome; Hereditary Cancer Syndrome; Neoplastic Syndromes, Hereditary; Tumor predisposition. Identifiers: Orphanet 140162, MedGen C0027672, MeSH D009386, MONDO:0015356.
Hereditary nonpolyposis colorectal neoplasms. Identifiers: MedGen C0009405, MeSH D003123.
Lynch syndrome. Identifiers: Orphanet 144, MedGen C4552100, MONDO:0005835. Disease mechanism: loss of function.
Lynch syndrome 5 (LYNCH5). Also called: Hereditary non-polyposis colorectal cancer, type 5; Colorectal cancer, hereditary nonpolyposis, type 5. Identifiers: Orphanet 144, MedGen C1833477, MONDO:0013710, OMIM 614350. Disease mechanism: loss of function.
Endometrial carcinoma. Also called: Endometrial carcinoma, somatic. Identifiers: MedGen C0476089, MONDO:0002447, OMIM 608089, HP:0012114.
Malignant tumor of breast. Also called: Malignant breast neoplasm; Cancer breast. Identifiers: MedGen C0006142, MONDO:0007254. Disease mechanism: loss of function.

Submissions (9):

Ambry Genetics
Classification: Pathogenic for Hereditary cancer-predisposing syndrome. Last evaluated: 2025-08-21. Review status: criteria provided, single submitter. Criteria: Ambry Variant Classification Scheme 2023. Collection method: clinical testing. Allele origin: germline.
Comment: The c.741delA pathogenic mutation, located in coding exon 4 of the MSH6 gene, results from a deletion of one nucleotide at nucleotide position 741, causing a translational frameshift with a predicted alternate stop codon (p.K247Nfs*32). This alteration is expected to result in loss of function by premature protein truncation or nonsense-mediated mRNA decay. As such, this alteration is interpreted as a disease-causing mutation.

Labcorp Genetics (formerly Invitae), Labcorp
Classification: Pathogenic for Hereditary nonpolyposis colorectal neoplasms. Last evaluated: 2025-03-11. Review status: criteria provided, single submitter. Criteria: Invitae Variant Classification Sherloc (09022015). Collection method: clinical testing. Allele origin: germline.
Comment: This sequence change creates a premature translational stop signal (p.Lys247Asnfs*32) in the MSH6 gene. It is expected to result in an absent or disrupted protein product. Loss-of-function variants in MSH6 are known to be pathogenic (PMID: 18269114, 24362816). This variant is present in population databases (rs267608041, gnomAD 0.01%). This premature translational stop signal has been observed in individual(s) with Lynch syndrome (PMID: 26099011). ClinVar contains an entry for this variant (Variation ID: 237213). For these reasons, this variant has been classified as Pathogenic.

All of Us Research Program, National Institutes of Health
Classification: Pathogenic for Lynch syndrome. Last evaluated: 2023-09-18. Review status: criteria provided, single submitter. Criteria: ACMG Guidelines, 2015. Collection method: clinical testing. Allele origin: germline. Inheritance: Autosomal dominant inheritance. Observed: 2 variant alleles, 2 heterozygotes.
Comment: This variant deletes 1 nucleotide in exon 4 of the MSH6 gene, creating a frameshift and premature translation stop signal. This variant is expected to result in an absent or non-functional protein product. This variant has been reported in an individual affected with endometrioid carcinoma that exhibited microsatellite instability and loss of MLH1, PMS2, and MSH6 proteins by immunohistochemistry analyses (PMID: 26099011). This variant has been identified in 1/31128 chromosomes in the general population by the Genome Aggregation Database (gnomAD). Loss of MSH6 function is a known mechanism of disease. Based on the available evidence, this variant is classified as Pathogenic.

This study involves interpretation of variants in research participants for the purpose of population health screening. Participant phenotype was not available at the time of variant classification. Additional details can be found in publication PMID: 35346344, PMCID: PMC8962531

Myriad Genetics, Inc.
Classification: Pathogenic for Lynch syndrome 5. Last evaluated: 2023-08-10. Review status: criteria provided, single submitter. Criteria: Myriad Autosomal Dominant, Autosomal Recessive and X-Linked Classification Criteria (2023). Collection method: clinical testing. Allele origin: unknown.
Comment: This variant is considered pathogenic. This variant creates a frameshift predicted to result in premature protein truncation.

Baylor Genetics
Classification: Pathogenic for Endometrial carcinoma. Last evaluated: 2023-07-23. Review status: criteria provided, single submitter. Criteria: ACMG Guidelines, 2015. Collection method: clinical testing. Allele origin: unknown.

Color Diagnostics, LLC DBA Color Health
Classification: Pathogenic for Hereditary cancer-predisposing syndrome. Last evaluated: 2023-04-26. Review status: criteria provided, single submitter. Criteria: ACMG Guidelines, 2015. Collection method: clinical testing. Allele origin: germline.
Comment: This variant deletes 1 nucleotide in exon 4 of the MSH6 gene, creating a frameshift and premature translation stop signal. This variant is expected to result in an absent or non-functional protein product. This variant has been reported in an individual affected with endometrioid carcinoma that exhibited microsatellite instability and loss of MLH1, PMS2, and MSH6 proteins by immunohistochemistry analyses (PMID: 26099011). This variant has been identified in 1/31128 chromosomes in the general population by the Genome Aggregation Database (gnomAD). Loss of MSH6 function is a known mechanism of disease. Based on the available evidence, this variant is classified as Pathogenic.

ARUP Laboratories, Molecular Genetics and Genomics, ARUP Laboratories
Classification: Pathogenic. Last evaluated: 2023-02-28. Review status: criteria provided, single submitter. Criteria: ARUP Molecular Germline Variant Investigation Process 2024. Collection method: clinical testing. Allele origin: germline.
Comment: The MSH6 c.741del; p.Lys247AsnfsTer32 variant (rs267608041) is reported in the literature in two individuals affected with Lynch syndrome (Graham 2015, Pearlman 2019). This variant is also reported in ClinVar (Variation ID: 237213). This variant is only observed on one allele in the Genome Aggregation Database, indicating it is not a common polymorphism. This variant causes a frameshift by deleting a single nucleotide, so it is predicted to result in a truncated protein or mRNA subject to nonsense-mediated decay. Based on available information, this variant is considered to be pathogenic. References: Graham RP et al. Heterogenous MSH6 loss is a result of microsatellite instability within MSH6 and occurs in sporadic and hereditary colorectal and endometrial carcinomas. Am J Surg Pathol. 2015 Oct;39(10):1370-6. PMID: 26099011. Pearlman R et al. Clinical characteristics of patients with colorectal cancer with double somatic mismatch repair mutations compared with Lynch syndrome. J Med Genet. 2019 Jul;56(7):462-470. PMID: 30877237.

Labcorp Genetics (formerly Invitae), Labcorp
Classification: Pathogenic for Hereditary nonpolyposis colorectal neoplasms. Last evaluated: 2015-12-07. Review status: criteria provided, single submitter. Criteria: Invitae Variant Classification Sherloc (09022015). Collection method: clinical testing. Allele origin: germline.
Comment: This sequence change deletes 1 nucleotide from exon 4 of the MSH6 mRNA (c.741delA), causing a frameshift at codon 247. This creates a premature translational stop signal (p.Lys247Asnfs*32) and is expected to result in an absent or disrupted protein product. While this particular variant has not been reported in a germline sample in the literature, truncating variants in MSH6 are known to be pathogenic (PMID: 24362816, 18269114). For these reasons, this variant has been classified as Pathogenic.

Department of Pathology and Laboratory Medicine, Sinai Health System
Classification: Pathogenic for Malignant tumor of breast. Review status: no assertion criteria provided. Collection method: clinical testing. Allele origin: unknown. Affected: yes. Study: The Canadian Open Genetics Repository (COGR). Not counted in ClinVar's aggregate classification.
Comment: The MSH6 p.Lys247AsnfsX32 variant was identified in sporadic gastric and lynch syndrome suspected tumours as a somatic event (and not germline) in 4 of 176 proband chromosomes (frequency: 0.02) from Portuguese and Spanish individuals or families (Pinto 2008, Vargas-Parra 2017). The variant was also identified in dbSNP (ID: rs267608041) â€šÃ„ÃºWith Pathogenic alleleâ€šÃ„Ã¹, ClinVar (classified pathogenic by Invitae), Cosmic (3x in stomach carcinoma), Insight Colon Cancer Gene Variant Database (1x), Mismatch Repair Genes Variant Database (2x). The variant was not identified in Genesight-COGR, MutDB, UMD-LSDB, Zhejiang Colon Cancer Database, Insight Hereditary Tumors Database, the 1000 Genomes Project, the NHLBI GO Exome Sequencing Project or the Exome Aggregation Consortium (August 8th 2016) control databases. The c.741delA variant is predicted to cause a frameshift, which alters the protein's amino acid sequence beginning at codon 247 and leads to a premature stop codon 32 codons downstream. This alteration is then predicted to result in a truncated or absent protein and loss of function. Loss of function variants of the MSH6 gene are an established mechanism of disease in in Lynch syndrome and this is the type of variant expected to cause the disorder. In summary, based on the above information this variant meets our laboratoryâ€šÃ„Ã´s criteria to be classified as pathogenic.

Literature cited by the submitters: PubMed 18206535 (cited by Ambry Genetics); PubMed 26099011 (cited by 4 submitters); PubMed 28577310 (cited by Ambry Genetics); PubMed 18269114 (cited by Labcorp Genetics (formerly Invitae), Labcorp); PubMed 24362816 (cited by Labcorp Genetics (formerly Invitae), Labcorp).